The following is an entry in ClinVar:

NM_206965.2(FTCD):c.1448C>T (p.Ala483Val)

Gene: FTCD (formimidoyltransferase cyclodeaminase; minus strand). Cytogenetic location: 21q22.3.
Variant type: single nucleotide variant.
Coding change: c.1448C>T on transcript NM_206965.2 (MANE Select); coding-DNA position 1448, C replaced by T.
Protein change: p.Ala483Val; replaces alanine 483 with valine.
Molecular consequence: missense variant.
Genome position (GRCh38, 1-based): chr21:46,137,330, G>A on the plus strand (C>T on the coding strand, the complement: FTCD is on the minus strand). VCF-style: chr21-46137330-G-A. GRCh37 (hg19) VCF-style: chr21-47557244-G-A.
Other names: c.1448C>T, p.Ala483Val (NM_001320412.2, NM_006657.3); c.1448C>T (NM_001320412.1); short protein forms A483V.
Identifiers: ClinVar variation 595818 (VCV000595818.16), dbSNP rs145609043, ClinGen allele CA10073402.

ClinVar aggregate classification (germline): Conflicting classifications of pathogenicity. Review status: criteria provided, conflicting classifications (1 of 4 stars). 5 submissions from 5 submitters: Uncertain significance (2); Likely benign (3). Last evaluated 2026-07-28.

Conditions:
FTCD-related disorder. Also called: FTCD-related condition.
Glutamate formiminotransferase deficiency. Also called: Formiminoglutamic aciduria; Arakawa syndrome 1. Identifiers: Orphanet 51208, MedGen C0268609, MONDO:0009240, OMIM 229100.
Inborn genetic diseases. Identifiers: MedGen C0950123, MeSH D030342.

Allele frequency attached by ClinVar (database versions not stated): 1000 Genomes Project 30x 0.00016; gnomAD 0.00016 and 0.00019; 1000 Genomes Project 0.00020; ESP Exome Variant Server 0.00023; TOPMed 0.00024.
gnomAD v4.1: 342 of 1,612,432 alleles (0.021%); highest among the groups gnomAD compares: East Asian, 0.051%; 1 homozygote.

Submissions (5):

PreventionGenetics, part of Exact Sciences
Classification: Likely benign for FTCD-related condition. Last evaluated: 2026-07-28. Review status: criteria provided, single submitter. Criteria: ACMG Guidelines, 2015. Collection method: clinical testing. Allele origin: germline.
Comment: This variant is classified as likely benign based on ACMG/AMP sequence variant interpretation guidelines (Richards et al. 2015 PMID: 25741868, with internal and published modifications).

Labcorp Genetics (formerly Invitae), Labcorp
Classification: Likely benign for Glutamate formiminotransferase deficiency. Last evaluated: 2024-08-10. Review status: criteria provided, single submitter. Criteria: Invitae Variant Classification Sherloc (09022015). Collection method: clinical testing. Allele origin: germline.

Ambry Genetics
Classification: Likely benign for Inborn genetic diseases. Last evaluated: 2022-05-20. Review status: criteria provided, single submitter. Criteria: Ambry Variant Classification Scheme 2023. Collection method: clinical testing. Allele origin: germline.

GeneDx
Classification: Uncertain significance. Last evaluated: 2020-08-18. Review status: criteria provided, single submitter. Criteria: GeneDx Variant Classification Process June 2021. Collection method: clinical testing. Allele origin: germline. Affected: yes.
Comment: In silico analysis supports that this missense variant has a deleterious effect on protein structure/function; Has not been previously published as pathogenic or benign to our knowledge

Eurofins Ntd Llc (ga)
Classification: Uncertain significance. Last evaluated: 2018-01-30. Review status: criteria provided, single submitter. Criteria: EGL Classification Definitions 2015. Collection method: clinical testing. Allele origin: germline. Observed: 1 variant allele, 1 heterozygote.